The following is an entry in ClinVar:

ClinVar aggregate classification (germline): Likely benign. Review status: criteria provided, multiple submitters, no conflicts (2 of 4 stars). 2 submissions from 2 submitters: Likely benign (2). Last evaluated 2026-05-08.

Conditions:
SH3TC2-related disorder. Also called: SH3TC2-related condition; SH3TC2-related disorders. Identifiers: MedGen CN239303.
Charcot-Marie-Tooth disease type 4. Also called: Charcot-Marie-Tooth disease, type IV; Charcot-Marie-Tooth, Type 4. Identifiers: Orphanet 64749, MedGen C4082197, MONDO:0018995.

Allele frequency attached by ClinVar (database versions not stated): ExAC 0.00004; gnomAD exomes 0.00006; gnomAD 0.00002; TOPMed 0.00003.
gnomAD v4.1: 34 of 1,614,034 alleles (0.0021%); highest among the groups gnomAD compares: Middle Eastern, 0.049%; no homozygotes.

Submissions (2):

PreventionGenetics, part of Exact Sciences
Classification: Likely benign for SH3TC2-related condition. Last evaluated: 2026-05-08. Review status: criteria provided, single submitter. Criteria: ACMG Guidelines, 2015. Collection method: clinical testing. Allele origin: germline.
Comment: This variant is classified as likely benign based on ACMG/AMP sequence variant interpretation guidelines (Richards et al. 2015 PMID: 25741868, with internal and published modifications).

Labcorp Genetics (formerly Invitae), Labcorp
Classification: Likely benign for Charcot-Marie-Tooth disease type 4. Last evaluated: 2025-10-23. Review status: criteria provided, single submitter. Criteria: Invitae Variant Classification Sherloc (09022015). Collection method: clinical testing. Allele origin: germline.

NM_024577.4(SH3TC2):c.1178-8C>T

Gene: SH3TC2 (SH3 domain and tetratricopeptide repeats 2; minus strand). Cytogenetic location: 5q32.
Variant type: single nucleotide variant.
Coding change: c.1178-8C>T on transcript NM_024577.4 (MANE Select); 8 bases into the intron before coding-DNA position 1178, C replaced by T.
Molecular consequence: intron variant.
Genome position (GRCh38, 1-based): chr5:149,028,562, G>A on the plus strand (C>T on the coding strand, the complement: SH3TC2 is on the minus strand). VCF-style: chr5-149028562-G-A. GRCh37 (hg19) VCF-style: chr5-148408125-G-A.
Identifiers: ClinVar variation 476880 (VCV000476880.11), dbSNP rs202042438, ClinGen allele CA3499241.